The following is an entry in ClinVar:

ClinVar aggregate classification (germline): Likely benign. Review status: criteria provided, multiple submitters, no conflicts (2 of 4 stars). 3 submissions from 3 submitters: Likely benign (3). Last evaluated 2025-11-10.

Allele frequency attached by ClinVar (database versions not stated): ESP Exome Variant Server 0.00008; ExAC 0.00015.
gnomAD v4.1: 141 of 1,612,944 alleles (0.0087%); highest among the groups gnomAD compares: Middle Eastern, 0.066%; 1 homozygote.

Submissions (3):

Labcorp Genetics (formerly Invitae), Labcorp
Classification: Likely benign. Last evaluated: 2025-11-10. Review status: criteria provided, single submitter. Criteria: Invitae Variant Classification Sherloc (09022015). Collection method: clinical testing. Allele origin: germline.

Mayo Clinic Laboratories, Mayo Clinic
Classification: Likely benign. Last evaluated: 2025-06-04. Review status: criteria provided, single submitter. Criteria: ACMG Guidelines, 2015. Collection method: clinical testing. Allele origin: germline. Observed: 2 variant alleles.
Comment: BP4, BP7

Blueprint Genetics
Classification: Likely benign. Last evaluated: 2023-11-29. Review status: criteria provided, single submitter. Criteria: ACMG Guidelines, 2015. Collection method: clinical testing. Allele origin: germline.

NM_004366.6(CLCN2):c.252A>G (p.Val84=)

Gene: CLCN2 (chloride voltage-gated channel 2; minus strand). Cytogenetic location: 3q27.1.
Variant type: single nucleotide variant.
Coding change: c.252A>G on transcript NM_004366.6 (MANE Select); coding-DNA position 252, A replaced by G.
Protein change: p.Val84=; no amino-acid change (valine 84 retained).
Molecular consequence: synonymous variant. On other transcripts: intron variant (1).
Genome position (GRCh38, 1-based): chr3:184,358,782, T>C on the plus strand (A>G on the coding strand, the complement: CLCN2 is on the minus strand). VCF-style: chr3-184358782-T-C. GRCh37 (hg19) VCF-style: chr3-184076570-T-C.
Other names: p.Val84=; c.252A>G, p.Val84= (NM_001171087.3, NM_001171089.3); c.220+193A>G (NM_001171088.3).
Identifiers: ClinVar variation 2051587 (VCV002051587.6), dbSNP rs370723107, ClinGen allele CA2734546.